The following is an entry in ClinVar:

NM_012418.4(FSCN2):c.1442C>G (p.Ala481Gly)

Gene: FSCN2 (fascin actin-bundling protein 2, retinal; plus strand). Cytogenetic location: 17q25.3.
Variant type: single nucleotide variant.
Coding change: c.1442C>G on transcript NM_012418.4 (MANE Select); coding-DNA position 1442, C replaced by G.
Protein change: p.Ala481Gly; replaces alanine 481 with glycine.
Molecular consequence: missense variant.
Genome position (GRCh38, 1-based): chr17:81,537,043, C>G. VCF-style: chr17-81537043-C-G. GRCh37 (hg19) VCF-style: chr17-79504069-C-G.
Other names: c.1514C>G, p.Ala505Gly (NM_001077182.3); short protein forms A481G, A505G.
Identifiers: ClinVar variation 2756800 (VCV002756800.3), dbSNP rs1318093249, ClinGen allele CA401479095.
Genomic context (GRCh38, chr17:81,537,043, plus strand): 5'-TCCGCGCCCGGAGCGGCAAGTACCTGCGCGGCGGCGCCTCGGGCCTGCTGCGGGCCGATG[C>G]CGACGCCCCGGCCGGGACCGCGCTTTGGGAGTACTGAGGCCGCGCCCAGACCAGCCTGTC-3'
Protein context (NP_036550.1, residues 471-491): GGASGLLRAD[Ala481Gly]DAPAGTALWE

ClinVar aggregate classification (germline): Uncertain significance (1 of 4 stars; one submission).

Submission:

Labcorp Genetics (formerly Invitae), Labcorp
Classification: Uncertain significance. Last evaluated: 2023-10-02. Review status: criteria provided, single submitter. Criteria: Invitae Variant Classification Sherloc (09022015). Collection method: clinical testing. Allele origin: germline.
Comment: This sequence change replaces alanine, which is neutral and non-polar, with glycine, which is neutral and non-polar, at codon 505 of the FSCN2 protein (p.Ala505Gly). This variant is not present in population databases (gnomAD no frequency). This variant has not been reported in the literature in individuals affected with FSCN2-related conditions. Algorithms developed to predict the effect of missense changes on protein structure and function output the following: SIFT: "Not Available"; PolyPhen-2: "Benign"; Align-GVGD: "Not Available". The glycine amino acid residue is found in multiple mammalian species, which suggests that this missense change does not adversely affect protein function. In summary, the available evidence is currently insufficient to determine the role of this variant in disease. Therefore, it has been classified as a Variant of Uncertain Significance.